The following is an entry in ClinVar:

NM_000051.4(ATM):c.6304G>T (p.Ala2102Ser)

Genes: ATM (ATM serine/threonine kinase; plus strand), C11orf65 (chromosome 11 open reading frame 65; minus strand). Cytogenetic location: 11q22.3.
Variant type: single nucleotide variant.
Coding change: c.6304G>T on transcript NM_000051.4 (MANE Select); coding-DNA position 6304, G replaced by T.
Protein change: p.Ala2102Ser; replaces alanine 2102 with serine.
Molecular consequence: missense variant. On other transcripts: intron variant (2).
Genome position (GRCh38, 1-based): chr11:108,317,478, G>T. VCF-style: chr11-108317478-G-T. GRCh37 (hg19) VCF-style: chr11-108188205-G-T.
Other names: c.6304G>T, p.Ala2102Ser (NM_001351834.2); c.641-8407C>A (NM_001330368.2); c.*39-8407C>A (NM_001351110.2); short protein forms A2102S.
Identifiers: ClinVar variation 961755 (VCV000961755.17), dbSNP rs1565503340, ClinGen allele CA382552125.

ClinVar aggregate classification (germline): Uncertain significance. Review status: criteria provided, multiple submitters, no conflicts (2 of 4 stars). 3 submissions from 3 submitters: Uncertain significance (2). 1 of the submissions does not count toward it. Last evaluated 2025-08-28.

Conditions:
Hereditary cancer-predisposing syndrome. Also called: Tumor predisposition; Neoplastic Syndromes, Hereditary; Hereditary neoplastic syndrome; Hereditary Cancer Syndrome. Identifiers: Orphanet 140162, MedGen C0027672, MeSH D009386, MONDO:0015356.
Ataxia-telangiectasia syndrome (AT). Also called: Ataxia-telangiectasia, complementation group D; AT, COMPLEMENTATION GROUP C; ATAXIA-TELANGIECTASIA, COMPLEMENTATION GROUP A; ATAXIA-TELANGIECTASIA, FRESNO VARIANT; Ataxia-telangiectasia; Ataxia telangiectasia (A-T). Identifiers: Orphanet 100, MedGen C0004135, MONDO:0008840, OMIM 208900.

Allele frequency attached by ClinVar (database versions not stated): gnomAD exomes below 0.00001.
gnomAD v4.1: 1 of 1,611,580 alleles (0.000062%); highest among the groups gnomAD compares: Non-Finnish European, 0.000085%; no homozygotes.

Submissions (3):

Ambry Genetics
Classification: Uncertain significance for Hereditary cancer-predisposing syndrome. Last evaluated: 2025-08-28. Review status: criteria provided, single submitter. Criteria: Ambry Variant Classification Scheme 2023. Collection method: clinical testing. Allele origin: germline.
Comment: The p.A2102S variant (also known as c.6304G>T), located in coding exon 42 of the ATM gene, results from a G to T substitution at nucleotide position 6304. The alanine at codon 2102 is replaced by serine, an amino acid with similar properties. This amino acid position is conserved. In addition, the in silico prediction for this alteration is inconclusive. Based on the available evidence, the clinical significance of this variant remains unclear.

Labcorp Genetics (formerly Invitae), Labcorp
Classification: Uncertain significance for Ataxia-telangiectasia syndrome. Last evaluated: 2021-08-28. Review status: criteria provided, single submitter. Criteria: Invitae Variant Classification Sherloc (09022015). Collection method: clinical testing. Allele origin: germline.
Comment: This sequence change replaces alanine with serine at codon 2102 of the ATM protein (p.Ala2102Ser). The alanine residue is highly conserved and there is a moderate physicochemical difference between alanine and serine. This variant is not present in population databases (ExAC no frequency). This variant has not been reported in the literature in individuals affected with ATM-related conditions. Algorithms developed to predict the effect of missense changes on protein structure and function are either unavailable or do not agree on the potential impact of this missense change (SIFT: "Deleterious"; PolyPhen-2: "Benign"; Align-GVGD: "Class C15"). In summary, the available evidence is currently insufficient to determine the role of this variant in disease. Therefore, it has been classified as a Variant of Uncertain Significance.

Natera, Inc.
Classification: Uncertain significance for Ataxia-telangiectasia. Last evaluated: 2021-08-17. Review status: no assertion criteria provided. Collection method: clinical testing. Allele origin: germline. Not counted in ClinVar's aggregate classification.